The following is an entry in ClinVar:

ClinVar aggregate classification (germline): Uncertain significance. Review status: criteria provided, single submitter (1 of 4 stars). 2 submissions from 2 submitters: Uncertain significance (1). 1 of the submissions does not count toward it. Last evaluated 2025-12-16.

Conditions:
NIN-related disorder. Also called: NIN-related condition.

Allele frequency attached by ClinVar (database versions not stated): 1000 Genomes Project 0.00040; 1000 Genomes Project 30x 0.00047; gnomAD 0.00053; TOPMed 0.00059; ESP Exome Variant Server 0.00085; gnomAD exomes 0.00087; ExAC 0.00100.
gnomAD v4.1: 1,349 of 1,612,662 alleles (0.084%); highest among the groups gnomAD compares: Non-Finnish European, 0.1%; 2 homozygotes.

Submissions (2):

Labcorp Genetics (formerly Invitae), Labcorp
Classification: Uncertain significance. Last evaluated: 2025-12-16. Review status: criteria provided, single submitter. Criteria: Invitae Variant Classification Sherloc (09022015). Collection method: clinical testing. Allele origin: germline.
Comment: This sequence change falls in intron 28 of the NIN gene. It does not directly change the encoded amino acid sequence of the NIN protein. It affects a nucleotide within the consensus splice site. This variant is present in population databases (rs201363795, gnomAD 0.1%), and has an allele count higher than expected for a pathogenic variant. This variant has not been reported in the literature in individuals affected with NIN-related conditions. ClinVar contains an entry for this variant (Variation ID: 2041759). Variants that disrupt the consensus splice site are a relatively common cause of aberrant splicing (PMID: 17576681, 9536098). Algorithms developed to predict the effect of sequence changes on RNA splicing suggest that this variant is not likely to affect RNA splicing. In summary, the available evidence is currently insufficient to determine the role of this variant in disease. Therefore, it has been classified as a Variant of Uncertain Significance.

PreventionGenetics, part of Exact Sciences
Classification: Likely benign for NIN-related condition. Last evaluated: 2019-05-15. Review status: no assertion criteria provided. Collection method: clinical testing. Allele origin: germline. Not counted in ClinVar's aggregate classification.
Comment: This variant is classified as likely benign based on ACMG/AMP sequence variant interpretation guidelines (Richards et al. 2015 PMID: 25741868, with internal and published modifications).

Literature cited by the submitters: PubMed 17576681 (cited by Labcorp Genetics (formerly Invitae), Labcorp); PubMed 9536098 (cited by Labcorp Genetics (formerly Invitae), Labcorp).

NM_020921.4(NIN):c.5877+3A>G

Gene: NIN (ninein; minus strand). Cytogenetic location: 14q22.1.
Variant type: single nucleotide variant.
Coding change: c.5877+3A>G on transcript NM_020921.4 (MANE Select); 3 bases into the intron after coding-DNA position 5877, A replaced by G.
Molecular consequence: intron variant.
Genome position (GRCh38, 1-based): chr14:50,735,513, T>C on the plus strand (A>G on the coding strand, the complement: NIN is on the minus strand). VCF-style: chr14-50735513-T-C. GRCh37 (hg19) VCF-style: chr14-51202231-T-C.
Other names: c.3738+3A>G (NM_016350.5); c.5877+3A>G (NM_182946.2, NM_182944.3, NM_020921.3).
Identifiers: ClinVar variation 2041759 (VCV002041759.6), dbSNP rs201363795, ClinGen allele CA7181127.